The following is an entry in ClinVar:

NM_007294.4(BRCA1):c.1331G>T (p.Ser444Ile)

Gene: BRCA1 (BRCA1 DNA repair associated; minus strand). Cytogenetic location: 17q21.31.
Variant type: single nucleotide variant.
Coding change: c.1331G>T on transcript NM_007294.4 (MANE Select); coding-DNA position 1331, G replaced by T.
Protein change: p.Ser444Ile; replaces serine 444 with isoleucine.
Molecular consequence: missense variant. On other transcripts: intron variant (137).
Genome position (GRCh38, 1-based): chr17:43,094,200, C>A on the plus strand (G>T on the coding strand, the complement: BRCA1 is on the minus strand). VCF-style: chr17-43094200-C-A. GRCh37 (hg19) VCF-style: chr17-41246217-C-A.
Other names: c.1253G>T, p.Ser418Ile (NM_001407657.1, NM_001407658.1, NM_001407663.1 and 4 more transcripts); c.1250G>T, p.Ser417Ile (NM_001407659.1, NM_001407662.1, NM_001407660.1 and 1 more transcripts); c.520+544G>T (NM_001408505.1, NM_001408504.1, NM_001408503.1); c.460+1646G>T (NM_001408507.1, NM_001408506.1); c.545-3168G>T (NM_001408495.1); c.661+544G>T (NM_001408448.1, NM_001408445.1, NM_001408432.1 and 6 more transcripts); c.667+1646G>T (NM_001408421.1, NM_001408424.1, NM_001408431.1); c.784+544G>T (NM_001407991.1, NM_001408407.1, NM_001408402.1 and 13 more transcripts); and 40 more; short protein forms S397I, S444I, S332I, S333I, S355I, S373I, S376I, S396I.
Identifiers: ClinVar variation 1010603 (VCV001010603.22), dbSNP rs1597876749, ClinGen allele CA10599387.

ClinVar aggregate classification (germline): Conflicting classifications of pathogenicity. Review status: criteria provided, conflicting classifications (1 of 4 stars). 4 submissions from 4 submitters: Uncertain significance (3); Likely benign (1). Last evaluated 2024-11-19.

Conditions:
Hereditary breast ovarian cancer syndrome. Also called: BRCA1- and BRCA2-Associated Hereditary Breast and Ovarian Cancer; Hereditary breast and ovarian cancer; Hereditary breast and ovarian cancer syndrome; Breast and ovarian cancer; Hereditary breast and/or ovarian cancer syndrome; Hereditary breast and ovarian cancer syndrome (HBOC). Identifiers: Orphanet 145, MedGen C0677776, MeSH D061325, MONDO:0003582. Disease mechanism: loss of function.
Hereditary cancer-predisposing syndrome. Also called: Tumor predisposition; Hereditary neoplastic syndrome; Neoplastic Syndromes, Hereditary; Hereditary Cancer Syndrome. Identifiers: Orphanet 140162, MedGen C0027672, MeSH D009386, MONDO:0015356.

Submissions (4):

Labcorp Genetics (formerly Invitae), Labcorp
Classification: Uncertain significance for Hereditary breast ovarian cancer syndrome. Last evaluated: 2024-11-19. Review status: criteria provided, single submitter. Criteria: Invitae Variant Classification Sherloc (09022015). Collection method: clinical testing. Allele origin: germline.
Comment: This sequence change replaces serine, which is neutral and polar, with isoleucine, which is neutral and non-polar, at codon 444 of the BRCA1 protein (p.Ser444Ile). This variant is not present in population databases (gnomAD no frequency). This variant has not been reported in the literature in individuals affected with BRCA1-related conditions. ClinVar contains an entry for this variant (Variation ID: 1010603). Invitae Evidence Modeling of protein sequence and biophysical properties (such as structural, functional, and spatial information, amino acid conservation, physicochemical variation, residue mobility, and thermodynamic stability) indicates that this missense variant is expected to disrupt BRCA1 protein function with a positive predictive value of 80%. In summary, the available evidence is currently insufficient to determine the role of this variant in disease. Therefore, it has been classified as a Variant of Uncertain Significance.

University of Washington Department of Laboratory Medicine, University of Washington
Classification: Likely benign for Hereditary cancer-predisposing syndrome. Last evaluated: 2023-03-23. Review status: criteria provided, single submitter. Criteria: Dines et al. (Genet Med. 2020). Collection method: curation. Allele origin: germline.
Comment: Missense variant in a coldspot region where missense variants are very unlikely to be pathogenic (PMID:31911673).

BRCA1 coldspot (exon 11 using historical exon numbering). Reclassification based on statistical prior probability

Ambry Genetics
Classification: Uncertain significance for Hereditary cancer-predisposing syndrome. Last evaluated: 2022-12-29. Review status: criteria provided, single submitter. Criteria: Ambry Variant Classification Scheme 2023. Collection method: clinical testing. Allele origin: germline.
Comment: The p.S444I variant (also known as c.1331G>T), located in coding exon 9 of the BRCA1 gene, results from a G to T substitution at nucleotide position 1331. The serine at codon 444 is replaced by isoleucine, an amino acid with dissimilar properties. This amino acid position is not well conserved in available vertebrate species. In addition, the in silico prediction for this alteration is inconclusive. Since supporting evidence is limited at this time, the clinical significance of this alteration remains unclear.

Sema4
Classification: Uncertain significance for Hereditary cancer-predisposing syndrome. Last evaluated: 2021-04-03. Review status: criteria provided, single submitter. Criteria: Sema4 Curation Guidelines. Collection method: curation. Allele origin: germline.
Comment: The BRCA1 c.1331G>T (p.S444I) variant has not been reported in the literature to our knowledge. It was not observed in the large and broad cohorts of the Genome Aggregation Database. The variant has been reported in ClinVar (Variation ID 1010603). This variant involves a moderately conserved amino acid, and computational analyses do not provide strong support for or against an impact on the protein, though these predictions have not been confirmed by functional studies. The evidence is insufficient to meet ACMG/AMP criteria for classifying the variant as benign or pathogenic. Thus, the clinical significance of this variant is currently uncertain.